The following is an entry in ClinVar:

ClinVar aggregate classification (germline): Uncertain significance (1 of 4 stars; one submission).

Allele frequency attached by ClinVar (database versions not stated): gnomAD exomes 0.00001.
gnomAD v4.1: 9 of 1,613,970 alleles (0.00056%); highest among the groups gnomAD compares: South Asian, 0.0011%; no homozygotes.

Submission:

Labcorp Genetics (formerly Invitae), Labcorp
Classification: Uncertain significance. Last evaluated: 2024-04-11. Review status: criteria provided, single submitter. Criteria: Invitae Variant Classification Sherloc (09022015). Collection method: clinical testing. Allele origin: germline.
Comment: This sequence change falls in intron 5 of the COLGALT1 gene. It does not directly change the encoded amino acid sequence of the COLGALT1 protein. It affects a nucleotide within the consensus splice site. This variant is not present in population databases (gnomAD no frequency). This variant has not been reported in the literature in individuals affected with COLGALT1-related conditions. ClinVar contains an entry for this variant (Variation ID: 2118515). Variants that disrupt the consensus splice site are a relatively common cause of aberrant splicing (PMID: 17576681, 9536098). Algorithms developed to predict the effect of sequence changes on RNA splicing suggest that this variant may disrupt the consensus splice site. In summary, the available evidence is currently insufficient to determine the role of this variant in disease. Therefore, it has been classified as a Variant of Uncertain Significance.

Literature cited by the submitters: PubMed 17576681; PubMed 9536098.

NM_024656.4(COLGALT1):c.829+5G>A

Gene: COLGALT1 (collagen beta(1-O)galactosyltransferase 1; plus strand). Cytogenetic location: 19p13.11.
Variant type: single nucleotide variant.
Coding change: c.829+5G>A on transcript NM_024656.4 (MANE Select); 5 bases into the intron after coding-DNA position 829, G replaced by A.
Molecular consequence: intron variant.
Genome position (GRCh38, 1-based): chr19:17,568,718, G>A. VCF-style: chr19-17568718-G-A. GRCh37 (hg19) VCF-style: chr19-17679527-G-A.
Identifiers: ClinVar variation 2118515 (VCV002118515.4), dbSNP rs2512880026, ClinGen allele CA2576714368.